The following is an entry in ClinVar:

NM_133261.3(GIPC3):c.62C>G (p.Pro21Arg)

Gene: GIPC3 (GIPC PDZ domain containing family member 3; plus strand). Cytogenetic location: 19p13.3.
Variant type: single nucleotide variant.
Coding change: c.62C>G on transcript NM_133261.3 (MANE Select); coding-DNA position 62, C replaced by G.
Protein change: p.Pro21Arg; replaces proline 21 with arginine.
Molecular consequence: missense variant.
Genome position (GRCh38, 1-based): chr19:3,585,659, C>G. VCF-style: chr19-3585659-C-G. GRCh37 (hg19) VCF-style: chr19-3585657-C-G.
Other names: c.62C>G, p.Pro21Arg (NM_001411144.1); short protein forms P21R.
Identifiers: ClinVar variation 4070738 (VCV004070738.3).

ClinVar aggregate classification (germline): Uncertain significance. Review status: criteria provided, multiple submitters, no conflicts (2 of 4 stars). 2 submissions from 2 submitters: Uncertain significance (2). Last evaluated 2025-09-04.

Conditions:
Inborn genetic diseases. Identifiers: MedGen C0950123, MeSH D030342.

Submissions (2):

Ambry Genetics
Classification: Uncertain significance for Inborn genetic diseases. Last evaluated: 2025-09-04. Review status: criteria provided, single submitter. Criteria: Ambry Variant Classification Scheme 2023. Collection method: clinical testing. Allele origin: germline.

GeneDx
Classification: Uncertain significance. Last evaluated: 2025-08-14. Review status: criteria provided, single submitter. Criteria: GeneDx Variant Classification Process June 2021. Collection method: clinical testing. Allele origin: germline.
Comment: Not observed at significant frequency in large population cohorts (gnomAD); In silico analysis suggests that this missense variant does not alter protein structure/function; Has not been previously published as pathogenic or benign to our knowledge